The following is an entry in ClinVar:

ClinVar aggregate classification (germline): Likely pathogenic (1 of 4 stars; one submission).

Conditions:
Glutaric aciduria, type 1. Also called: Glutaricaciduria, type I; Glutaric Acidemia Type 1; GA I; Glutaric acidemia type I; Glutaryl-CoA dehydrogenase deficiency; Glutaricacidemia Type 1. Identifiers: Orphanet 25, MedGen C0268595, MONDO:0009281, OMIM 231670.

Submission:

Labcorp Genetics (formerly Invitae), Labcorp
Classification: Likely pathogenic for Glutaric aciduria, type 1. Last evaluated: 2020-06-14. Review status: criteria provided, single submitter. Criteria: Invitae Variant Classification Sherloc (09022015). Collection method: clinical testing. Allele origin: germline.
Comment: Algorithms developed to predict the effect of sequence changes on RNA splicing suggest that this variant may disrupt the consensus splice site, but this prediction has not been confirmed by published transcriptional studies. Donor and acceptor splice site variants typically lead to a loss of protein function (PMID: 16199547), and loss-of-function variants in GCDH are known to be pathogenic (PMID: 10699052, 11854167, 16602100). In summary, the currently available evidence indicates that the variant is pathogenic, but additional data are needed to prove that conclusively. Therefore, this variant has been classified as Likely Pathogenic. This variant has not been reported in the literature in individuals with GCDH-related conditions. This variant is not present in population databases (ExAC no frequency). This sequence change affects an acceptor splice site in intron 10 of the GCDH gene. It is expected to disrupt RNA splicing and likely results in an absent or disrupted protein product.

Literature cited by the submitters: PubMed 16199547; PubMed 10699052; PubMed 11854167; PubMed 16602100.

NM_000159.4(GCDH):c.1083-2A>C

Gene: GCDH (glutaryl-CoA dehydrogenase; plus strand). Cytogenetic location: 19p13.13.
Variant type: single nucleotide variant.
Coding change: c.1083-2A>C on transcript NM_000159.4 (MANE Select); the canonical splice acceptor site of the intron before coding-DNA position 1083, A replaced by C.
Molecular consequence: splice acceptor variant.
Genome position (GRCh38, 1-based): chr19:12,897,701, A>C. VCF-style: chr19-12897701-A-C. GRCh37 (hg19) VCF-style: chr19-13008515-A-C.
Other names: c.1083-2A>C (NM_013976.5).
Identifiers: ClinVar variation 1066721 (VCV001066721.7), dbSNP rs2145954766, ClinGen allele CA404321160.